The following is an entry in ClinVar:

ClinVar aggregate classification (germline): Likely benign (1 of 4 stars; one submission).

gnomAD v4.1: 40 of 1,610,632 alleles (0.0025%); highest among the groups gnomAD compares: South Asian, 0.027%; no homozygotes.

Submission:

CeGaT Center for Human Genetics Tuebingen
Classification: Likely benign. Last evaluated: 2024-12-01. Review status: criteria provided, single submitter. Criteria: CeGaT Center For Human Genetics Tuebingen Variant Classification Criteria Version 2. Collection method: clinical testing. Allele origin: germline. Affected: yes. Observed: 1 variant allele.
Comment: RGS7: BP4, BP7

NM_001364886.1(RGS7):c.861G>A (p.Thr287=)

Gene: RGS7 (regulator of G protein signaling 7; minus strand). Cytogenetic location: 1q43.
Variant type: single nucleotide variant.
Coding change: c.861G>A on transcript NM_001364886.1 (MANE Select); coding-DNA position 861, G replaced by A.
Protein change: p.Thr287=; no amino-acid change (threonine 287 retained).
Molecular consequence: synonymous variant. On other transcripts: intron variant (2).
Genome position (GRCh38, 1-based): chr1:240,813,713, C>T on the plus strand (G>A on the coding strand, the complement: RGS7 is on the minus strand). VCF-style: chr1-240813713-C-T. GRCh37 (hg19) VCF-style: chr1-240977013-C-T.
Other names: c.845+1003G>A (NM_001374815.1, NM_001374816.1); c.702G>A, p.Thr234= (NM_001282773.2, NM_001374811.1, NM_001374814.1); c.861G>A, p.Thr287= (NM_001282775.2, NM_001282778.2, NM_002924.6); c.783G>A, p.Thr261= (NM_001350113.2, NM_001350114.2, NM_001350115.2 and 2 more transcripts); c.810G>A, p.Thr270= (NM_001374806.1, NM_001374807.1); c.582G>A, p.Thr194= (NM_001374809.1, NM_001374810.1); c.786G>A, p.Thr262= (NM_001374812.1); c.348G>A, p.Thr116= (NM_001374813.1).
Identifiers: ClinVar variation 3771316 (VCV003771316.13).